The following is an entry in ClinVar:

NM_004415.4(DSP):c.3469A>C (p.Lys1157Gln)

Gene: DSP (desmoplakin; plus strand). Cytogenetic location: 6p24.3.
Variant type: single nucleotide variant.
Coding change: c.3469A>C on transcript NM_004415.4 (MANE Select); coding-DNA position 3469, A replaced by C.
Protein change: p.Lys1157Gln; replaces lysine 1157 with glutamine.
Molecular consequence: missense variant.
Genome position (GRCh38, 1-based): chr6:7,579,659, A>C. VCF-style: chr6-7579659-A-C. GRCh37 (hg19) VCF-style: chr6-7579892-A-C.
Other names: c.3469A>C, p.Lys1157Gln (NM_001008844.3, NM_001319034.2); short protein forms K1157Q.
Identifiers: ClinVar variation 855085 (VCV000855085.11), dbSNP rs1759354483, ClinGen allele CA362684130.

ClinVar aggregate classification (germline): Uncertain significance. Review status: criteria provided, multiple submitters, no conflicts (2 of 4 stars). 2 submissions from 2 submitters: Uncertain significance (2). Last evaluated 2025-05-24.

Conditions:
Arrhythmogenic right ventricular dysplasia 8 (ARVD8). Also called: ARRHYTHMOGENIC RIGHT VENTRICULAR DYSPLASIA, FAMILIAL, 8; ARRHYTHMOGENIC RIGHT VENTRICULAR CARDIOMYOPATHY 8; Arrhythmogenic Right Ventricular Dysplasia/Cardiomyopathy 8. Identifiers: MedGen C1843896, MONDO:0011831, OMIM 607450.
Arrhythmogenic cardiomyopathy with wooly hair and keratoderma. Also called: Dilated cardiomyopathy with woolly hair and keratoderma; PALMOPLANTAR KERATODERMA WITH LEFT VENTRICULAR CARDIOMYOPATHY AND WOOLLY HAIR; Carvajal syndrome; Arrhythmogenic cardiomyopathy with woolly hair and keratoderma. Identifiers: Orphanet 65282, MedGen C1854063, MONDO:0011581, OMIM 605676.
Cardiovascular phenotype. Identifiers: MedGen CN230736.

Submissions (2):

Ambry Genetics
Classification: Uncertain significance for Cardiovascular phenotype. Last evaluated: 2025-05-24. Review status: criteria provided, single submitter. Criteria: Ambry Variant Classification Scheme 2023. Collection method: clinical testing. Allele origin: germline.
Comment: The p.K1157Q variant (also known as c.3469A>C), located in coding exon 23 of the DSP gene, results from an A to C substitution at nucleotide position 3469. The lysine at codon 1157 is replaced by glutamine, an amino acid with similar properties. This amino acid position is conserved. In addition, the in silico prediction for this alteration is inconclusive. Based on the available evidence, the clinical significance of this variant remains unclear.

Labcorp Genetics (formerly Invitae), Labcorp
Classification: Uncertain significance for Arrhythmogenic cardiomyopathy with wooly hair and keratoderma; Arrhythmogenic right ventricular dysplasia 8. Last evaluated: 2022-07-06. Review status: criteria provided, single submitter. Criteria: Invitae Variant Classification Sherloc (09022015). Collection method: clinical testing. Allele origin: germline.
Comment: In summary, the available evidence is currently insufficient to determine the role of this variant in disease. Therefore, it has been classified as a Variant of Uncertain Significance. Algorithms developed to predict the effect of missense changes on protein structure and function are either unavailable or do not agree on the potential impact of this missense change (SIFT: "Deleterious"; PolyPhen-2: "Benign"; Align-GVGD: "Class C0"). ClinVar contains an entry for this variant (Variation ID: 855085). This variant has not been reported in the literature in individuals affected with DSP-related conditions. This sequence change replaces lysine, which is basic and polar, with glutamine, which is neutral and polar, at codon 1157 of the DSP protein (p.Lys1157Gln). This variant is not present in population databases (gnomAD no frequency).